The following is an entry in ClinVar:

ClinVar aggregate classification (germline): Uncertain significance (1 of 4 stars; one submission).

gnomAD v4.1: 3 of 1,612,908 alleles (0.00019%); highest among the groups gnomAD compares: Non-Finnish European, 0.00025%; no homozygotes.

Submission:

Labcorp Genetics (formerly Invitae), Labcorp
Classification: Uncertain significance. Last evaluated: 2022-07-03. Review status: criteria provided, single submitter. Criteria: Invitae Variant Classification Sherloc (09022015). Collection method: clinical testing. Allele origin: germline.
Comment: Algorithms developed to predict the effect of missense changes on protein structure and function output the following: SIFT: "Tolerated"; PolyPhen-2: "Benign"; Align-GVGD: "Class C0". The arginine amino acid residue is found in multiple mammalian species, which suggests that this missense change does not adversely affect protein function. In summary, the available evidence is currently insufficient to determine the role of this variant in disease. Therefore, it has been classified as a Variant of Uncertain Significance. This variant has not been reported in the literature in individuals affected with CFAP410-related conditions. This variant is present in population databases (no rsID available, gnomAD 0.0009%). This sequence change replaces proline, which is neutral and non-polar, with arginine, which is basic and polar, at codon 75 of the CFAP410 protein (p.Pro75Arg).

NM_004928.3(CFAP410):c.224C>G (p.Pro75Arg)

Gene: CFAP410 (cilia and flagella associated protein 410; minus strand). Cytogenetic location: 21q22.3.
Variant type: single nucleotide variant.
Coding change: c.224C>G on transcript NM_004928.3 (MANE Select); coding-DNA position 224, C replaced by G.
Protein change: p.Pro75Arg; replaces proline 75 with arginine.
Molecular consequence: missense variant.
Genome position (GRCh38, 1-based): chr21:44,333,182, G>C on the plus strand (C>G on the coding strand, the complement: CFAP410 is on the minus strand). VCF-style: chr21-44333182-G-C. GRCh37 (hg19) VCF-style: chr21-45753065-G-C.
Other names: c.224C>G, p.Pro75Arg (NM_001271440.2, NM_001271441.2); c.101C>G, p.Pro34Arg (NM_001271442.1); short protein forms P34R, P75R.
Identifiers: ClinVar variation 1998381 (VCV001998381.4), dbSNP rs778987436, ClinGen allele CA321784889.
Genomic context (GRCh38, chr21:44,333,182, plus strand): 5'-GCCAGCCACAGCACCCGCAGACGCGGCAGCCCCTTCAGGTAGAAGAGCTCAGCCAGGCTG[G>C]GGATGCGGTTCCTCCGCAGGTACAGCTCACTCAGGCGCTGGCACCGGCTCACAGGCTCCA-3'
Protein context (NP_004919.1, residues 65-85): SELYLRRNRI[Pro75Arg]SLAELFYLKG